The following is an entry in ClinVar:

NM_025193.4(HSD3B7):c.323-1_325dup

Gene: HSD3B7 (hydroxy-delta-5-steroid dehydrogenase, 3 beta- and steroid delta-isomerase 7; plus strand). Cytogenetic location: 16p11.2.
Variant type: Duplication.
Coding change: c.323-1_325dup on transcript NM_025193.4 (MANE Select); the canonical splice acceptor site of the intron before coding-DNA position 323 through coding-DNA position 325, 4 bases duplicated (GGTA; older notation c.323-1_325dupGGTA).
Molecular consequence: splice acceptor variant.
Genome position (GRCh38, 1-based): chr16:30,986,422-30,986,425, GGTA duplicated; duplicating any 4 consecutive bases within chr16:30,986,421-30,986,425 gives the same sequence; the c. name uses the placement nearest the transcript's 3' end. VCF-style (leftmost placement, unchanged base first): chr16-30986420-C-CAGGT. GRCh37 (hg19) VCF-style: chr16-30997741-C-CAGGT.
Other names: c.323-1_325dup (NM_001142777.2, NM_001142778.2).
Identifiers: ClinVar variation 4987776 (VCV004987776.1).

ClinVar aggregate classification (germline): Uncertain significance (1 of 4 stars; one submission).

Conditions:
HSD3B7-related disorder. Also called: HSD3B7-related condition.

Submission:

PreventionGenetics, part of Exact Sciences
Classification: Uncertain significance for HSD3B7-related condition. Last evaluated: 2025-04-09. Review status: criteria provided, single submitter. Criteria: ACMG Guidelines, 2015. Collection method: clinical testing. Allele origin: germline.
Comment: The HSD3B7 c.323-1_325dupGGTA variant is predicted to result in an intronic duplication. To our knowledge, this variant has not been reported in the literature. This variant is predicted to result in a duplication that spans the intron/exon boundary that is predicted to impact splicing based on available splicing prediction programs (SpliceAI, Jaganathan et al. 2019. PubMed ID: 30661751). This variant is reported in 0.0029% of alleles in individuals of Latino descent in gnomAD. At this time, the clinical significance of this variant is uncertain due to the absence of conclusive functional and genetic evidence.